The following is an entry in ClinVar:

NM_013372.7(GREM1):c.383C>T (p.Pro128Leu)

Gene: GREM1 (gremlin 1, DAN family BMP antagonist; plus strand). Cytogenetic location: 15q13.3.
Variant type: single nucleotide variant.
Coding change: c.383C>T on transcript NM_013372.7 (MANE Select); coding-DNA position 383, C replaced by T.
Protein change: p.Pro128Leu; replaces proline 128 with leucine.
Molecular consequence: missense variant.
Genome position (GRCh38, 1-based): chr15:32,731,073, C>T. VCF-style: chr15-32731073-C-T. GRCh37 (hg19) VCF-style: chr15-33023274-C-T.
Other names: c.173C>T, p.Pro58Leu (NM_001191322.2); c.260C>T, p.Pro87Leu (NM_001191323.2); c.383C>T, p.Pro128Leu (NM_001368719.1); short protein forms P58L, P128L, P87L.
Identifiers: ClinVar variation 2562300 (VCV002562300.3), dbSNP rs777005561, ClinGen allele CA391557828.

ClinVar aggregate classification (germline): Uncertain significance (1 of 4 stars; one submission).

Conditions:
Hereditary cancer-predisposing syndrome. Also called: Neoplastic Syndromes, Hereditary; Hereditary Cancer Syndrome; Hereditary neoplastic syndrome; Tumor predisposition. Identifiers: Orphanet 140162, MedGen C0027672, MeSH D009386, MONDO:0015356.

gnomAD v4.1: 1 of 1,614,220 alleles (0.000062%); highest among the groups gnomAD compares: Non-Finnish European, 0.000085%; no homozygotes.

Submission:

Ambry Genetics
Classification: Uncertain significance for Hereditary cancer-predisposing syndrome. Last evaluated: 2025-09-01. Review status: criteria provided, single submitter. Criteria: Ambry Variant Classification Scheme 2023. Collection method: clinical testing. Allele origin: germline.
Comment: The p.P128L variant (also known as c.383C>T), located in coding exon 1 of the GREM1 gene, results from a C to T substitution at nucleotide position 383. The proline at codon 128 is replaced by leucine, an amino acid with similar properties. This amino acid position is conserved. In addition, this alteration is predicted to be deleterious by in silico analysis. Since supporting evidence is limited at this time, the clinical significance of this alteration remains unclear.